The following is an entry in ClinVar:

ClinVar aggregate classification (germline): Uncertain significance (1 of 4 stars; one submission).

Conditions:
Hermansky-Pudlak syndrome 9 (HPS9). Identifiers: Orphanet 280663, Orphanet 79430, MedGen C3280026, MONDO:0013606, OMIM 614171.

Allele frequency attached by ClinVar (database versions not stated): TOPMed below 0.00001.

Submission:

Labcorp Genetics (formerly Invitae), Labcorp
Classification: Uncertain significance for Hermansky-Pudlak syndrome 9. Last evaluated: 2023-08-04. Review status: criteria provided, single submitter. Criteria: Invitae Variant Classification Sherloc (09022015). Collection method: clinical testing. Allele origin: germline.
Comment: This sequence change replaces proline, which is neutral and non-polar, with serine, which is neutral and polar, at codon 9 of the BLOC1S6 protein (p.Pro9Ser). This variant is not present in population databases (gnomAD no frequency). This variant has not been reported in the literature in individuals affected with BLOC1S6-related conditions. ClinVar contains an entry for this variant (Variation ID: 1362605). Algorithms developed to predict the effect of missense changes on protein structure and function output the following: SIFT: "Not Available"; PolyPhen-2: "Benign"; Align-GVGD: "Not Available". The serine amino acid residue is found in multiple mammalian species, which suggests that this missense change does not adversely affect protein function. In summary, the available evidence is currently insufficient to determine the role of this variant in disease. Therefore, it has been classified as a Variant of Uncertain Significance.

NM_012388.4(BLOC1S6):c.25C>T (p.Pro9Ser)

Gene: BLOC1S6 (biogenesis of lysosomal organelles complex 1 subunit 6; plus strand). Cytogenetic location: 15q21.1.
Variant type: single nucleotide variant.
Coding change: c.25C>T on transcript NM_012388.4 (MANE Select); coding-DNA position 25, C replaced by T.
Protein change: p.Pro9Ser; replaces proline 9 with serine.
Molecular consequence: missense variant. On other transcripts: non-coding transcript variant (5).
Genome position (GRCh38, 1-based): chr15:45,587,468, C>T. VCF-style: chr15-45587468-C-T. GRCh37 (hg19) VCF-style: chr15-45879666-C-T.
Other names: short protein forms P9S.
Identifiers: ClinVar variation 1362605 (VCV001362605.8), dbSNP rs1442888203, ClinGen allele CA392297172.
Genomic context (GRCh38, chr15:45,587,468, plus strand): 5'-CGTTTGCTTCTTCCCTGTGTTCCCAGCTGGAGGGACATGAGTGTCCCTGGGCCGTCGTCT[C>T]CGGACGGGGCCCTGACACGGCCACCCTACTGCCTGGAGGCCGGGGAGCCGACGCCTGGTA-3'
Protein context (NP_036520.1, residues 1-19): MSVPGPSS[Pro9Ser]DGALTRPPYC